The following is an entry in ClinVar:

NM_015194.3(MYO1D):c.1530C>T (p.Gly510=)

Gene: MYO1D (myosin ID; minus strand). Cytogenetic location: 17q11.2.
Variant type: single nucleotide variant.
Coding change: c.1530C>T on transcript NM_015194.3 (MANE Select); coding-DNA position 1530, C replaced by T.
Protein change: p.Gly510=; no amino-acid change (glycine 510 retained).
Molecular consequence: synonymous variant.
Genome position (GRCh38, 1-based): chr17:32,748,944, G>A on the plus strand (C>T on the coding strand, the complement: MYO1D is on the minus strand). VCF-style: chr17-32748944-G-A. GRCh37 (hg19) VCF-style: chr17-31075962-G-A.
Other names: NC_000017.10:g.31075962G>A; c.1530C>T, p.Gly510= (NM_001303279.2).
Identifiers: ClinVar variation 721037 (VCV000721037.13), dbSNP rs117036818, ClinGen allele CA8493841.

ClinVar aggregate classification (germline): Benign/Likely benign. Review status: criteria provided, multiple submitters, no conflicts (2 of 4 stars). 3 submissions from 3 submitters: Benign (2); Likely benign (1). Last evaluated 2025-09-01.

Allele frequency attached by ClinVar (database versions not stated): ESP Exome Variant Server 0.00077; TOPMed 0.00093; gnomAD 0.00100 and 0.00108; ExAC 0.00108; gnomAD exomes 0.00118; 1000 Genomes Project 0.00120; 1000 Genomes Project 30x 0.00172.
gnomAD v4.1: 1,103 of 1,612,916 alleles (0.068%); highest among the groups gnomAD compares: East Asian, 0.61%; 10 homozygotes.

Submissions (11):

CeGaT Center for Human Genetics Tuebingen
Classification: Likely benign. Last evaluated: 2025-09-01. Review status: criteria provided, single submitter. Criteria: CeGaT Center For Human Genetics Tuebingen Variant Classification Criteria Version 2. Collection method: clinical testing. Allele origin: germline. Affected: yes. Observed: 1 variant allele.
Comment: MYO1D: BP7

Labcorp Genetics (formerly Invitae), Labcorp
Classification: Benign. Last evaluated: 2019-12-31. Review status: criteria provided, single submitter. Criteria: Invitae Variant Classification Sherloc (09022015). Collection method: clinical testing. Allele origin: germline.

Breakthrough Genomics
Classification: Benign. Review status: criteria provided, single submitter. Criteria: ACMG Guidelines, 2015. Collection method: not provided. Allele origin: germline. Inheritance: Unknown mechanism. Affected: yes.

Dr. Peter K. Rogan Lab, Western University
No classification provided (evidence only). Condition: Clear cell carcinoma of kidney. Review status: no classification provided. Collection method: in vitro. Allele origin: not applicable. Functional consequence: retained intron. Not counted in ClinVar's aggregate classification.

Dr. Peter K. Rogan Lab, Western University
No classification provided (evidence only). Condition: Clear cell carcinoma of kidney. Review status: no classification provided. Collection method: in vitro. Allele origin: not applicable. Functional consequence: retained intron. Not counted in ClinVar's aggregate classification.

Dr. Peter K. Rogan Lab, Western University
No classification provided (evidence only). Condition: Familial cancer of breast. Review status: no classification provided. Collection method: in vitro. Allele origin: not applicable. Functional consequence: retained intron. Not counted in ClinVar's aggregate classification.

Dr. Peter K. Rogan Lab, Western University
No classification provided (evidence only). Condition: Colorectal cancer. Review status: no classification provided. Collection method: in vitro. Allele origin: not applicable. Functional consequence: retained intron. Not counted in ClinVar's aggregate classification.

Dr. Peter K. Rogan Lab, Western University
No classification provided (evidence only). Condition: Thyroid cancer, nonmedullary, 1. Review status: no classification provided. Collection method: in vitro. Allele origin: not applicable. Functional consequence: retained intron. Not counted in ClinVar's aggregate classification.

Dr. Peter K. Rogan Lab, Western University
No classification provided (evidence only). Condition: Nonpapillary renal cell carcinoma. Review status: no classification provided. Collection method: in vitro. Allele origin: not applicable. Functional consequence: retained intron. Not counted in ClinVar's aggregate classification.

Dr. Peter K. Rogan Lab, Western University
No classification provided (evidence only). Condition: Thymoma. Review status: no classification provided. Collection method: in vitro. Allele origin: not applicable. Functional consequence: retained intron. Not counted in ClinVar's aggregate classification.

Dr. Peter K. Rogan Lab, Western University
No classification provided (evidence only). Condition: Malignant tumor of esophagus. Review status: no classification provided. Collection method: in vitro. Allele origin: not applicable. Functional consequence: retained intron. Not counted in ClinVar's aggregate classification.